The following is an entry in ClinVar:

ClinVar aggregate classification (germline): Likely pathogenic. Review status: criteria provided, multiple submitters, no conflicts (2 of 4 stars). 4 submissions from 4 submitters: Likely pathogenic (3). 1 of the submissions does not count toward it. Last evaluated 2026-01-07.

Conditions:
Hereditary cancer-predisposing syndrome. Also called: Hereditary neoplastic syndrome; Hereditary Cancer Syndrome; Tumor predisposition; Neoplastic Syndromes, Hereditary. Identifiers: Orphanet 140162, MedGen C0027672, MeSH D009386, MONDO:0015356.
Fanconi anemia complementation group O. Also called: RAD51C-Related Fanconi Anemia. Identifiers: Orphanet 84, MedGen C3150653, MONDO:0013248, OMIM 613390.
Breast-ovarian cancer, familial, susceptibility to, 3. Also called: RAD51C-Related Breast/Ovarian Cancer. Identifiers: Orphanet 145, MedGen C3150659, MONDO:0013253, OMIM 613399.
Carcinoma of colon (CRC). Also called: Colon carcinoma; Colonic carcinoma. Identifiers: MedGen C0699790, MONDO:0002032.

Allele frequency attached by ClinVar (database versions not stated): gnomAD exomes below 0.00001.

Submissions (4):

Labcorp Genetics (formerly Invitae), Labcorp
Classification: Likely pathogenic for Fanconi anemia complementation group O. Last evaluated: 2026-01-07. Review status: criteria provided, single submitter. Criteria: Invitae Variant Classification Sherloc (09022015). Collection method: clinical testing. Allele origin: germline.
Comment: This sequence change affects a splice site in intron 1 of the RAD51C gene. RNA analysis indicates that disruption of this splice site induces altered splicing and may result in an absent or altered protein product. This variant is not present in population databases (gnomAD no frequency). Disruption of this splice site has been observed in individual(s) with breast and ovarian cancer (PMID: 30949688, 32107557). ClinVar contains an entry for this variant (Variation ID: 482181). Studies have shown that disruption of this splice site results in skipping of exon 2, and produces a non-functional protein and/or introduces a premature termination codon (internal data). In summary, the currently available evidence indicates that the variant is pathogenic, but additional data are needed to prove that conclusively. Therefore, this variant has been classified as Likely Pathogenic.

Baylor Genetics
Classification: Likely pathogenic for Breast-ovarian cancer, familial, susceptibility to, 3. Last evaluated: 2024-01-16. Review status: criteria provided, single submitter. Criteria: ACMG Guidelines, 2015. Collection method: clinical testing. Allele origin: unknown.

Ambry Genetics
Classification: Likely pathogenic for Hereditary cancer-predisposing syndrome. Last evaluated: 2023-07-31. Review status: criteria provided, single submitter. Criteria: Ambry Variant Classification Scheme 2023. Collection method: clinical testing. Allele origin: germline.
Comment: The c.146-4_146-2delTCA intronic variant, located in intron 1 of the RAD51C gene, results from a deletion of 3 nucleotides within intron 1 of the RAD51C gene. This nucleotide region is well conserved in available vertebrate species. In silico splice site analysis predicts that this alteration will weaken the native splice acceptor site. RNA studies have demonstrated that this alteration results in abnormal splicing in the set of samples tested (Ambry internal data). Alterations that disrupt the canonical splice site are expected to cause aberrant splicing, resulting in an abnormal protein or a transcript that is subject to nonsense-mediated mRNA decay. As such, this alteration is classified as likely pathogenic.

Department of Pathology and Laboratory Medicine, Sinai Health System
Classification: Uncertain significance for Carcinoma of colon. Review status: no assertion criteria provided. Collection method: clinical testing. Allele origin: unknown. Affected: yes. Study: The Canadian Open Genetics Repository (COGR). Not counted in ClinVar's aggregate classification.
Comment: The RAD51C c.146-4_146-2delTCA variant was not identified in the literature nor was it identified in the following databases: dbSNP, ClinVar, LOVD 3.0, the 1000 Genomes Project, the NHLBI GO Exome Sequencing Project, the Exome Aggregation Consortium (August 8th 2016), or the Genome Aggregation Database (Feb 27, 2017). The c.146-4_146-2delTCA variant is predicted to cause abnormal splicing because the nucleotide substitution occurs in the invariant region of the splice consensus sequence. In addition, 4 of 5 in silico or computational prediction software programs (SpliceSiteFinder, MaxEntScan, NNSPLICE, GeneSplicer, HumanSpliceFinder) predict a greater than 10% difference in splicing. An alternative splice site is predicted 3 bp into the exon; however, the effect cannot be determined with certainty. In summary, based on the above information, the clinical significance of this variant cannot be determined with certainty at this time. This variant is classified as uncertain significance.

Literature cited by the submitters: PubMed 30949688 (cited by Labcorp Genetics (formerly Invitae), Labcorp); PubMed 32107557 (cited by Labcorp Genetics (formerly Invitae), Labcorp).

NM_058216.3(RAD51C):c.146-4_146-2del

Gene: RAD51C (RAD51 paralog C; plus strand). Cytogenetic location: 17q22.
Variant type: Deletion.
Coding change: c.146-4_146-2del on transcript NM_058216.3 (MANE Select); 4 bases into the intron before coding-DNA position 146 through the canonical splice acceptor site of the intron before coding-DNA position 146, 3 bases deleted (TCA; older notation c.146-4_146-2delTCA).
Molecular consequence: splice acceptor variant.
Genome position (GRCh38, 1-based): chr17:58,694,927-58,694,929, TCA deleted. VCF-style (leftmost placement, unchanged base first): chr17-58694926-TTCA-T. GRCh37 (hg19) VCF-style: chr17-56772287-TTCA-T.
Other names: c.146-4_146-2del (NM_002876.4).
Identifiers: ClinVar variation 482181 (VCV000482181.16), dbSNP rs1555593450, ClinGen allele CA658658633.
Genomic context (GRCh38, chr17:58,694,926, plus strand): 5'-CGATTATCATGTTACACTTTTAAATCTCTAAAATTAGGGTTCTTTTTTTCTTATTTTACT[TTCA>T]GAAGTTGGGATATCTAAAGCAGAAGCCTTAGAAACTCTGCAAATTATCAGAAGAGAATGT-3'